The following is an entry in ClinVar:

NM_001875.5(CPS1):c.651del (p.Thr218fs)

Gene: CPS1 (carbamoyl-phosphate synthase 1; plus strand). Cytogenetic location: 2q34.
Variant type: Deletion.
Coding change: c.651del on transcript NM_001875.5 (MANE Select); coding-DNA position 651, one base deleted (C; older notation c.651delC).
Protein change: p.Thr218fs; shifts the reading frame from threonine 218.
Molecular consequence: frameshift variant. On other transcripts: non-coding transcript variant (1).
Genome position (GRCh38, 1-based): chr2:210,588,087, C deleted; the last of 4 consecutive C bases (chr2:210,588,084-210,588,087); deleting any one gives the same sequence. VCF-style (leftmost placement, unchanged base first): chr2-210588083-AC-A. GRCh37 (hg19) VCF-style: chr2-211452807-AC-A.
Other names: c.651del, p.Thr218fs (NM_001122633.3, NM_001369257.1); c.684del, p.Thr229fs (NM_001369256.1); short protein forms T218fs, T229fs.
Identifiers: ClinVar variation 2029548 (VCV002029548.4), dbSNP rs2469112532, ClinGen allele CA2580065541.
Genomic context (GRCh38, chr2:210,588,083, plus strand): 5'-ACTTCCCTCTCATTCTCTGGTTTTTAAAATGGCAGGATGTCAAAGTGTACGGCAAAGGAA[AC>A]CCCACAAAAGTGGTAGCTGTAGACTGTGGGATTAAAAACAATGTAATCCGCCTGCTAGTA-3'

ClinVar aggregate classification (germline): Pathogenic (1 of 4 stars; one submission).

Conditions:
Congenital hyperammonemia, type I. Also called: CPS I DEFICIENCY; Carbamoyl phosphate synthetase I deficiency disease; Carbamoyl phosphate synthetase 1 deficiency; Hyperammonemia due to carbamoyl phosphate synthetase 1 deficiency; CPS 1 deficiency; Carbamyl phosphate synthetase (CPS) deficiency. Identifiers: Orphanet 147, MedGen C4082171, MONDO:0009376, OMIM 237300.

Submission:

Labcorp Genetics (formerly Invitae), Labcorp
Classification: Pathogenic for Congenital hyperammonemia, type I. Last evaluated: 2022-09-08. Review status: criteria provided, single submitter. Criteria: Invitae Variant Classification Sherloc (09022015). Collection method: clinical testing. Allele origin: germline.
Comment: For these reasons, this variant has been classified as Pathogenic. This variant has not been reported in the literature in individuals affected with CPS1-related conditions. This variant is not present in population databases (gnomAD no frequency). This sequence change creates a premature translational stop signal (p.Thr218Glnfs*4) in the CPS1 gene. It is expected to result in an absent or disrupted protein product. Loss-of-function variants in CPS1 are known to be pathogenic (PMID: 21120950).

Literature cited by the submitters: PubMed 21120950.